The following is an entry in ClinVar:

NM_006662.3(SRCAP):c.2365A>G (p.Met789Val)

Gene: SRCAP (Snf2 related CREBBP activator protein; plus strand). Cytogenetic location: 16p11.2.
Variant type: single nucleotide variant.
Coding change: c.2365A>G on transcript NM_006662.3 (MANE Select); coding-DNA position 2365, A replaced by G.
Protein change: p.Met789Val; replaces methionine 789 with valine.
Molecular consequence: missense variant.
Genome position (GRCh38, 1-based): chr16:30,713,583, A>G. VCF-style: chr16-30713583-A-G. GRCh37 (hg19) VCF-style: chr16-30724904-A-G.
Other names: short protein forms M789V.
Identifiers: ClinVar variation 2635177 (VCV002635177.1), dbSNP rs2052914476, ClinGen allele CA395609357.

ClinVar aggregate classification (germline): Uncertain significance (1 of 4 stars; one submission).

Conditions:
SRCAP-related disorder. Also called: SRCAP-related condition.

Allele frequency attached by ClinVar (database versions not stated): TOPMed 0.00001.
gnomAD v4.1: 1 of 1,614,062 alleles (0.000062%); no homozygotes.

Submission:

PreventionGenetics, part of Exact Sciences
Classification: Uncertain significance for SRCAP-related condition. Last evaluated: 2022-11-17. Review status: criteria provided, single submitter. Criteria: ACMG Guidelines, 2015. Collection method: clinical testing. Allele origin: germline.
Comment: The SRCAP c.2365A>G variant is predicted to result in the amino acid substitution p.Met789Val. To our knowledge, this variant has not been reported in the literature or in a large population database, indicating this variant is rare. At this time, the clinical significance of this variant is uncertain due to the absence of conclusive functional and genetic evidence.